The following is an entry in ClinVar:

NM_001289125.3(IFNAR2):c.23T>C (p.Phe8Ser)

Genes: IFNAR2-IL10RB (IFNAR2-IL10RB readthrough; plus strand), IFNAR2 (interferon alpha and beta receptor subunit 2; plus strand). Cytogenetic location: 21q22.11.
Variant type: single nucleotide variant.
Coding change: c.23T>C on transcript NM_001289125.3 (MANE Select); coding-DNA position 23, T replaced by C.
Protein change: p.Phe8Ser; replaces phenylalanine 8 with serine.
Molecular consequence: missense variant.
Genome position (GRCh38, 1-based): chr21:33,241,945, T>C. VCF-style: chr21-33241945-T-C. GRCh37 (hg19) VCF-style: chr21-34614250-T-C.
Other names: S8F; c.23T>C (NM_207585.2); c.23T>C, p.Phe8Ser (NM_000874.5, NM_001289126.2, NM_001289128.2 and 4 more transcripts); short protein forms F8S.
Identifiers: ClinVar variation 7288 (VCV000007288.43), dbSNP rs2229207, ClinGen allele CA118670.

ClinVar aggregate classification (germline): Benign/Likely benign. Review status: criteria provided, multiple submitters, no conflicts (2 of 4 stars). 8 submissions from 8 submitters: Benign (5); Likely benign (1). 2 of the submissions do not count toward it. Last evaluated 2026-02-04.

Conditions:
Mortality risk in patients with severe coronavirus disease (COVID-19).
Immunodeficiency 45 (IMD45). Identifiers: MedGen C4225252, MONDO:0014727, OMIM 616669.
Hepatitis B virus, susceptibility to. Also called: HBV, SUSCEPTIBILITY TO. Identifiers: MedGen C1864880, MONDO:0012488, OMIM 610424.

Allele frequency attached by ClinVar (database versions not stated): gnomAD exomes 0.08209 and 0.10333; gnomAD 0.08893 and 0.09203; TOPMed 0.09361; ExAC 0.10539; 1000 Genomes Project 0.11861; 1000 Genomes Project 30x 0.12102.
gnomAD v4.1: 134,141 of 1,608,462 alleles (8.3%); highest among the groups gnomAD compares: East Asian, 15%; 6,307 homozygotes.

Submissions (8):

Labcorp Genetics (formerly Invitae), Labcorp
Classification: Benign. Last evaluated: 2026-02-04. Review status: criteria provided, single submitter. Criteria: Invitae Variant Classification Sherloc (09022015). Collection method: clinical testing. Allele origin: germline.

Blueprint Genetics
Classification: Likely benign. Last evaluated: 2024-11-28. Review status: criteria provided, single submitter. Criteria: ACMG Guidelines, 2015. Collection method: clinical testing. Allele origin: germline.

Unidad de Genómica Garrahan, Hospital de Pediatría Garrahan
Classification: Benign. Last evaluated: 2024-01-24. Review status: criteria provided, single submitter. Criteria: ACMG Guidelines, 2015. Collection method: clinical testing. Allele origin: germline. Affected: no. Observed: 28 variant alleles.
Comment: This variant is classified as Benign based on local population frequency. This variant was detected in 29% of patients studied by a panel of primary immunodeficiencies. Number of patients: 28. Only high quality variants are reported.

Mayo Clinic Laboratories, Mayo Clinic
Classification: Benign. Last evaluated: 2023-04-12. Review status: criteria provided, single submitter. Criteria: ACMG Guidelines, 2015. Collection method: clinical testing. Allele origin: germline. Observed: 50 variant alleles.
Comment: BA1, BP4

Genome-Nilou Lab
Classification: Benign for Immunodeficiency 45. Last evaluated: 2021-08-10. Review status: criteria provided, single submitter. Criteria: ACMG Guidelines, 2015. Collection method: clinical testing. Allele origin: germline. Affected: no.

Breakthrough Genomics
Classification: Benign. Review status: criteria provided, single submitter. Criteria: ACMG Guidelines, 2015. Collection method: not provided. Allele origin: germline. Inheritance: Autosomal recessive inheritance. Affected: yes.

Pneumogenomics Laboratory, Instituto Nacional de Enfermedades Respiratorias Ismael Cosio Villegas
Classification: Uncertain significance for Mortality risk in patients with severe coronavirus disease (COVID-19). Last evaluated: 2022-05-06. Review status: no assertion criteria provided. Collection method: research. Allele origin: germline. Affected: yes. Not counted in ClinVar's aggregate classification.

OMIM
Classification: risk factor for HEPATITIS B VIRUS, SUSCEPTIBILITY TO. Last evaluated: 2006-06-13. Review status: no assertion criteria provided. Collection method: literature only. Allele origin: germline. Not counted in ClinVar's aggregate classification.

Literature cited by the submitters: PubMed 16757563 (cited by Mayo Clinic Laboratories, Mayo Clinic and OMIM); PubMed 19714778 (cited by Mayo Clinic Laboratories, Mayo Clinic); PubMed 23745570 (cited by Mayo Clinic Laboratories, Mayo Clinic).